The following is an entry in ClinVar:

NM_001374736.1(DST):c.2589A>G (p.Glu863=)

Gene: DST (dystonin; minus strand). Cytogenetic location: 6p12.1.
Variant type: single nucleotide variant.
Coding change: c.2589A>G on transcript NM_001374736.1 (MANE Select); coding-DNA position 2589, A replaced by G.
Protein change: p.Glu863=; no amino-acid change (glutamic acid 863 retained).
Molecular consequence: synonymous variant.
Genome position (GRCh38, 1-based): chr6:56,639,959, T>C on the plus strand (A>G on the coding strand, the complement: DST is on the minus strand). VCF-style: chr6-56639959-T-C. GRCh37 (hg19) VCF-style: chr6-56504757-T-C.
Other names: c.2490A>G, p.Glu830= (NM_001144769.5); c.2076A>G, p.Glu692= (NM_001144770.2); c.2589A>G, p.Glu863= (NM_001374722.1); c.1956A>G, p.Glu652= (NM_001374729.1, NM_001374730.1, NM_001386100.1 and 1 more transcripts); c.2616A>G, p.Glu872= (NM_001374734.1); c.978A>G, p.Glu326= (NM_001723.7, NM_015548.5).
Identifiers: ClinVar variation 704464 (VCV000704464.13), dbSNP rs146171809, ClinGen allele CA3871388.

ClinVar aggregate classification (germline): Likely benign. Review status: criteria provided, multiple submitters, no conflicts (2 of 4 stars). 3 submissions from 3 submitters: Likely benign (3). Last evaluated 2025-10-23.

Conditions:
Epidermolysis bullosa simplex 3, localized or generalized intermediate, with BP230 deficiency (EBS3). Also called: Epidermolysis bullosa simplex due to BP230 deficiency; Epidermolysis bullosa simplex, autosomal recessive 2. Identifiers: Orphanet 412181, MedGen C3809470, MONDO:0014180, OMIM 615425.
Hereditary sensory and autonomic neuropathy type 6. Also called: Neuropathy, hereditary sensory and autonomic, type VI; HSAN VI. Identifiers: Orphanet 314381, MedGen C3539003, MONDO:0013839, OMIM 614653.
DST-related disorder. Also called: DST-related disorders; DST-related condition.

Allele frequency attached by ClinVar (database versions not stated): gnomAD exomes 0.00003 and 0.00006; ExAC 0.00010; TOPMed 0.00017; 1000 Genomes Project 0.00020; ESP Exome Variant Server 0.00023; gnomAD 0.00030 and 0.00031; 1000 Genomes Project 30x 0.00047.
gnomAD v4.1: 97 of 1,613,270 alleles (0.006%); highest among the groups gnomAD compares: African/African-American, 0.11%; no homozygotes.

Submissions (3):

Labcorp Genetics (formerly Invitae), Labcorp
Classification: Likely benign for Epidermolysis bullosa simplex 3, localized or generalized intermediate, with BP230 deficiency; Hereditary sensory and autonomic neuropathy type 6. Last evaluated: 2025-10-23. Review status: criteria provided, single submitter. Criteria: Invitae Variant Classification Sherloc (09022015). Collection method: clinical testing. Allele origin: germline.

PreventionGenetics, part of Exact Sciences
Classification: Likely benign for DST-related condition. Last evaluated: 2025-02-17. Review status: criteria provided, single submitter. Criteria: ACMG Guidelines, 2015. Collection method: clinical testing. Allele origin: germline.
Comment: This variant is classified as likely benign based on ACMG/AMP sequence variant interpretation guidelines (Richards et al. 2015 PMID: 25741868, with internal and published modifications).

Blueprint Genetics
Classification: Likely benign. Last evaluated: 2024-09-18. Review status: criteria provided, single submitter. Criteria: ACMG Guidelines, 2015. Collection method: clinical testing. Allele origin: germline.